The following is an entry in ClinVar:

NM_000044.6(AR):c.1749C>G (p.Phe583Leu)

Gene: AR (androgen receptor; plus strand). Cytogenetic location: Xq12.
Variant type: single nucleotide variant.
Coding change: c.1749C>G on transcript NM_000044.6 (MANE Select); coding-DNA position 1749, C replaced by G.
Protein change: p.Phe583Leu; replaces phenylalanine 583 with leucine.
Molecular consequence: missense variant. On other transcripts: intron variant (1).
Genome position (GRCh38, 1-based): chrX:67,643,388, C>G. VCF-style: chrX-67643388-C-G. GRCh37 (hg19) VCF-style: chrX-66863230-C-G.
Other names: c.153C>G, p.Phe51Leu (NM_001011645.3); c.1749C>G, p.Phe583Leu (NM_001348061.1, NM_001348063.1); c.1617-42553C>G (NM_001348064.1); short protein forms F51L, F583L.
Identifiers: ClinVar variation 1805862 (VCV001805862.1), dbSNP rs2147436658, ClinGen allele CA413422890.

ClinVar aggregate classification (germline): Likely pathogenic (1 of 4 stars; one submission).

Conditions:
Androgen resistance syndrome (AIS). Also called: TESTICULAR FEMINIZATION SYNDROME; Androgen insensitivity syndrome; Androgen insensitivity, complete; Androgen insensitivity syndrome due to coactivator deficiency; ANDROGEN RECEPTOR DEFICIENCY; DIHYDROTESTOSTERONE RECEPTOR DEFICIENCY. Identifiers: Orphanet 754, Orphanet 99429, MedGen C0039585, MONDO:0019154, OMIM 300068. Disease mechanism: loss of function.

Submission:

Victorian Clinical Genetics Services, Murdoch Childrens Research Institute
Classification: Likely pathogenic for Androgen resistance syndrome. Last evaluated: 2021-05-06. Review status: criteria provided, single submitter. Criteria: ACMG Guidelines, 2015. Collection method: clinical testing. Allele origin: germline. Inheritance: X-linked recessive inheritance.
Comment: Based on the classification scheme VCGS_Germline_v1.3.4, this variant is classified as Likely Pathogenic. Following criteria are met: 0102 - Loss of function is a known mechanism of disease in this gene and is associated with androgen insensitivity. (I) 0109 - This gene is associated with X-linked recessive disease. (I) 0200 - Variant is predicted to result in a missense amino acid change from phenylalanine to leucine. (I) 0254 - This variant is suspected mosaic. (I) 0301 - Variant is absent from gnomAD (both v2 and v3). (SP) 0501 - Missense variant consistently predicted to be damaging by multiple in silico tools or highly conserved with a major amino acid change. (SP) 0602 - Variant is located in a cluster of pathogenic variants in the DNA binding domain (DECIPHER, NCBI). (SP) 0702 - Other missense variants comparable to the one identified in this case have strong previous evidence for pathogenicity. Alternative changes at the same residue, to serine and tyrosine, have previously been reported as pathogenic in individuals with partial androgen insensitivity (MIM#312300). Additionally, a deletion of the same residue has also been reported as pathogenic in individuals with complete androgen insensitivity (MIM#300068) (Androgen receptor database, ClinVar, HGMD, PMIDs: 7981687, 8723113, 8809734, 30165367). (SP) 0803 - This variant has limited previous evidence of pathogenicity in an unrelated individual. The variant has previously been classified once as likely pathogenic, however no supporting evidence was provided (LOVD). (SP) 0905 - No published segregation evidence has been identified for this variant. (I) 1007 - No published functional evidence has been identified for this variant. (I) 1208 - Inheritance information for this variant is not currently available in this individual. (I) Legend: (SP) - Supporting pathogenic, (I) - Information, (SB) - Supporting benign

Literature cited by the submitters: PubMed 7981687; PubMed 8723113; PubMed 8809734; PubMed 30165367.